The following is an entry in ClinVar:

NM_001162501.2(TNRC6B):c.5316C>T (p.Leu1772=)

Gene: TNRC6B (trinucleotide repeat containing adaptor 6B; plus strand). Cytogenetic location: 22q13.1.
Variant type: single nucleotide variant.
Coding change: c.5316C>T on transcript NM_001162501.2 (MANE Select); coding-DNA position 5316, C replaced by T.
Protein change: p.Leu1772=; no amino-acid change (leucine 1772 retained).
Molecular consequence: synonymous variant.
Genome position (GRCh38, 1-based): chr22:40,323,055, C>T. VCF-style: chr22-40323055-C-T. GRCh37 (hg19) VCF-style: chr22-40719059-C-T.
Other names: c.2904C>T, p.Leu968= (NM_001024843.2); c.4986C>T, p.Leu1662= (NM_015088.3).
Identifiers: ClinVar variation 3025267 (VCV003025267.22), dbSNP rs368172546, ClinGen allele CA10247513.

ClinVar aggregate classification (germline): Likely benign (1 of 4 stars; one submission).

Allele frequency attached by ClinVar (database versions not stated): TOPMed 0.00008; gnomAD 0.00011; gnomAD exomes 0.00011; ExAC 0.00015; ESP Exome Variant Server 0.00017; 1000 Genomes Project 30x 0.00031; 1000 Genomes Project 0.00040.
gnomAD v4.1: 179 of 1,601,570 alleles (0.011%); highest among the groups gnomAD compares: Middle Eastern, 0.017%; no homozygotes.

Submission:

CeGaT Center for Human Genetics Tuebingen
Classification: Likely benign. Last evaluated: 2023-12-01. Review status: criteria provided, single submitter. Criteria: CeGaT Center For Human Genetics Tuebingen Variant Classification Criteria Version 2. Collection method: clinical testing. Allele origin: germline. Affected: yes. Observed: 1 variant allele.
Comment: TNRC6B: BP4, BP7